The following is an entry in ClinVar:

ClinVar aggregate classification (germline): Uncertain significance (1 of 4 stars; one submission).

Conditions:
Amyotrophic lateral sclerosis type 1 (ALS1). Also called: AMYOTROPHIC LATERAL SCLEROSIS 1, FAMILIAL. Identifiers: Orphanet 803, MedGen C1862939, MONDO:0007103, OMIM 105400.
Perry syndrome. Also called: PARKINSONISM WITH ALVEOLAR HYPOVENTILATION AND MENTAL DEPRESSION. Identifiers: Orphanet 178509, MedGen C1868594, MONDO:0008201, OMIM 168605.
Neuronopathy, distal hereditary motor, type 7B. Also called: NEURONOPATHY, DISTAL HEREDITARY MOTOR, HARDING TYPE VIIB; NEUROPATHY, DISTAL HEREDITARY MOTOR, HARDING TYPE VIIB; NEUROPATHY, DISTAL HEREDITARY MOTOR, WITH VOCAL CORD PARALYSIS, HARDING TYPE VIIB; NEURONOPATHY, DISTAL HEREDITARY MOTOR, AUTOSOMAL DOMINANT 14; Distal Hereditary Motor Neuronopathy Type 7B (dHMN7B); HMN VIIB. Identifiers: Orphanet 139589, MedGen C1843315, MONDO:0011879, OMIM 607641.

Submission:

Labcorp Genetics (formerly Invitae), Labcorp
Classification: Uncertain significance for Amyotrophic lateral sclerosis type 1; Neuronopathy, distal hereditary motor, type 7B; Perry syndrome. Last evaluated: 2021-01-28. Review status: criteria provided, single submitter. Criteria: Invitae Variant Classification Sherloc (09022015). Collection method: clinical testing. Allele origin: germline.
Comment: In summary, the available evidence is currently insufficient to determine the role of this variant in disease. Therefore, it has been classified as a Variant of Uncertain Significance. Algorithms developed to predict the effect of missense changes on protein structure and function are either unavailable or do not agree on the potential impact of this missense change (SIFT: "Deleterious"; PolyPhen-2: "Benign"; Align-GVGD: "Class C35"). This variant has not been reported in the literature in individuals with DCTN1-related conditions. This variant is not present in population databases (ExAC no frequency). This sequence change replaces aspartic acid with glutamic acid at codon 988 of the DCTN1 protein (p.Asp988Glu). The aspartic acid residue is highly conserved and there is a small physicochemical difference between aspartic acid and glutamic acid.

NM_004082.5(DCTN1):c.2964T>A (p.Asp988Glu)

Gene: DCTN1 (dynactin subunit 1; minus strand). Cytogenetic location: 2p13.1.
Variant type: single nucleotide variant.
Coding change: c.2964T>A on transcript NM_004082.5 (MANE Select); coding-DNA position 2964, T replaced by A.
Protein change: p.Asp988Glu; replaces aspartic acid 988 with glutamic acid.
Molecular consequence: missense variant. On other transcripts: non-coding transcript variant (1).
Genome position (GRCh38, 1-based): chr2:74,365,580, A>T on the plus strand (T>A on the coding strand, the complement: DCTN1 is on the minus strand). VCF-style: chr2-74365580-A-T. GRCh37 (hg19) VCF-style: chr2-74592707-A-T.
Other names: c.2904T>A, p.Asp968Glu (NM_001135040.3); c.2562T>A, p.Asp854Glu (NM_001135041.3, NM_023019.4); c.2853T>A, p.Asp951Glu (NM_001190836.2); c.2943T>A, p.Asp981Glu (NM_001190837.2); c.2913T>A, p.Asp971Glu (NM_001378991.1); c.2895T>A, p.Asp965Glu (NM_001378992.1); short protein forms D854E, D951E, D965E, D968E, D971E, D981E, D988E.
Identifiers: ClinVar variation 999957 (VCV000999957.10), dbSNP rs1674344495, ClinGen allele CA347341571.